The following is an entry in ClinVar:

ClinVar aggregate classification (germline): Uncertain significance (1 of 4 stars; one submission).

Conditions:
Congenital myasthenic syndrome 13 (CMS13). Also called: Myasthenic syndrome, congenital, 13, with tubular aggregates; Myasthenic syndrome, congenital, with tubular aggregates 2. Identifiers: Orphanet 353327, Orphanet 590, MedGen C3553645, MONDO:0013883, OMIM 614750.
DPAGT1-congenital disorder of glycosylation. Also called: DPAGT1-CDG; CONGENITAL DISORDER OF GLYCOSYLATION, TYPE Ij; CDG Ij. Identifiers: Orphanet 86309, MedGen C2931004, MONDO:0011964, OMIM 608093.

Allele frequency attached by ClinVar (database versions not stated): gnomAD 0.00002; gnomAD exomes 0.00002; TOPMed 0.00002; ExAC 0.00003; ESP Exome Variant Server 0.00008.
gnomAD v4.1: 32 of 1,614,064 alleles (0.002%); highest among the groups gnomAD compares: Non-Finnish European, 0.0026%; no homozygotes.

Submission:

Labcorp Genetics (formerly Invitae), Labcorp
Classification: Uncertain significance for Congenital myasthenic syndrome 13; DPAGT1-congenital disorder of glycosylation. Last evaluated: 2022-08-20. Review status: criteria provided, single submitter. Criteria: Invitae Variant Classification Sherloc (09022015). Collection method: clinical testing. Allele origin: germline.
Comment: This sequence change replaces valine, which is neutral and non-polar, with glutamic acid, which is acidic and polar, at codon 151 of the DPAGT1 protein (p.Val151Glu). This variant is present in population databases (rs370575259, gnomAD 0.005%). This variant has not been reported in the literature in individuals affected with DPAGT1-related conditions. Algorithms developed to predict the effect of missense changes on protein structure and function (SIFT, PolyPhen-2, Align-GVGD) all suggest that this variant is likely to be disruptive. In summary, the available evidence is currently insufficient to determine the role of this variant in disease. Therefore, it has been classified as a Variant of Uncertain Significance.

NM_001382.4(DPAGT1):c.452T>A (p.Val151Glu)

Gene: DPAGT1 (dolichyl-phosphate N-acetylglucosaminephosphotransferase 1; minus strand). Cytogenetic location: 11q23.3.
Variant type: single nucleotide variant.
Coding change: c.452T>A on transcript NM_001382.4 (MANE Select); coding-DNA position 452, T replaced by A.
Protein change: p.Val151Glu; replaces valine 151 with glutamic acid.
Molecular consequence: missense variant.
Genome position (GRCh38, 1-based): chr11:119,100,674, A>T on the plus strand (T>A on the coding strand, the complement: DPAGT1 is on the minus strand). VCF-style: chr11-119100674-A-T. GRCh37 (hg19) VCF-style: chr11-118971384-A-T.
Other names: short protein forms V151E.
Identifiers: ClinVar variation 2052365 (VCV002052365.1), dbSNP rs370575259, ClinGen allele CA6314634.